The following is an entry in ClinVar:

ClinVar aggregate classification (germline): Uncertain significance. Review status: criteria provided, multiple submitters, no conflicts (2 of 4 stars). 3 submissions from 3 submitters: Uncertain significance (3). Last evaluated 2025-12-08.

Conditions:
COL11A2-related disorder. Also called: COL11A2-related disorders; COL11A2-related condition.

Allele frequency attached by ClinVar (database versions not stated): gnomAD exomes below 0.00001; TOPMed below 0.00001; gnomAD 0.00001.

Submissions (3):

Labcorp Genetics (formerly Invitae), Labcorp
Classification: Uncertain significance. Last evaluated: 2025-12-08. Review status: criteria provided, single submitter. Criteria: Invitae Variant Classification Sherloc (09022015). Collection method: clinical testing. Allele origin: germline.
Comment: This sequence change replaces alanine, which is neutral and non-polar, with threonine, which is neutral and polar, at codon 1323 of the COL11A2 protein (p.Ala1323Thr). This variant is not present in population databases (gnomAD no frequency). This variant has not been reported in the literature in individuals affected with COL11A2-related conditions. ClinVar contains an entry for this variant (Variation ID: 1470872). Invitae Evidence Modeling of protein sequence and biophysical properties (such as structural, functional, and spatial information, amino acid conservation, physicochemical variation, residue mobility, and thermodynamic stability) indicates that this missense variant is not expected to disrupt COL11A2 protein function with a negative predictive value of 95%. In summary, the available evidence is currently insufficient to determine the role of this variant in disease. Therefore, it has been classified as a Variant of Uncertain Significance.

PreventionGenetics, part of Exact Sciences
Classification: Uncertain significance for COL11A2-related condition. Last evaluated: 2023-04-05. Review status: criteria provided, single submitter. Criteria: ACMG Guidelines, 2015. Collection method: clinical testing. Allele origin: germline.
Comment: The COL11A2 c.3967G>A variant is predicted to result in the amino acid substitution p.Ala1323Thr. To our knowledge, this variant has not been reported in the literature or in a large population database, indicating this variant is rare. At this time, the clinical significance of this variant is uncertain due to the absence of conclusive functional and genetic evidence.

Blueprint Genetics
Classification: Uncertain significance. Last evaluated: 2022-09-07. Review status: criteria provided, single submitter. Criteria: ACMG Guidelines, 2015. Collection method: clinical testing. Allele origin: germline.

NM_080680.3(COL11A2):c.3967G>A (p.Ala1323Thr)

Gene: COL11A2 (collagen type XI alpha 2 chain; minus strand). Cytogenetic location: 6p21.32.
Variant type: single nucleotide variant.
Coding change: c.3967G>A on transcript NM_080680.3 (MANE Select); coding-DNA position 3967, G replaced by A.
Protein change: p.Ala1323Thr; replaces alanine 1323 with threonine.
Molecular consequence: missense variant.
Genome position (GRCh38, 1-based): chr6:33,167,846, C>T on the plus strand (G>A on the coding strand, the complement: COL11A2 is on the minus strand). VCF-style: chr6-33167846-C-T. GRCh37 (hg19) VCF-style: chr6-33135623-C-T.
Other names: c.3646G>A, p.Ala1216Thr (NM_080679.3); c.3709G>A, p.Ala1237Thr (NM_080681.3); c.3967G>A (NM_080680.2); short protein forms A1237T, A1216T, A1323T.
Identifiers: ClinVar variation 1470872 (VCV001470872.10), dbSNP rs1769404565, ClinGen allele CA363624324.
Genomic context (GRCh38, chr6:33,167,846, plus strand): 5'-GCCTGTCCCTCACCTTGGCTCCCTTCCCTCCTTGTCGCCCCTCGGAACCAGGCGAGCCAG[C>T]AGGACCCTGCAGGTGGAGTGGGAAGGAAGAGCACATGAGGCCGTGGGCAGCCAGGCTCAA-3'
Protein context (NP_542411.2, residues 1313-1333): PPGPLGKRGP[Ala1323Thr]GSPGSEGRQG